The following is an entry in ClinVar:

ClinVar aggregate classification (germline): Uncertain significance. Review status: criteria provided, multiple submitters, no conflicts (2 of 4 stars). 2 submissions from 2 submitters: Uncertain significance (2). Last evaluated 2024-06-18.

Conditions:
Sclerosteosis 2 (SOST2). Identifiers: Orphanet 3152, MedGen C3280402, MONDO:0013679, OMIM 614305.
Congenital myasthenic syndrome 17. Identifiers: Orphanet 590, MedGen C4225377, MONDO:0014578, OMIM 616304.
Cenani-Lenz syndactyly syndrome. Also called: CENANI SYNDACTYLISM; SYNDACTYLY, TYPE VII. Identifiers: Orphanet 3258, MedGen C1859309, MONDO:0008931, OMIM 212780.

Submissions (2):

Fulgent Genetics
Classification: Uncertain significance for Cenani-Lenz syndactyly syndrome; Sclerosteosis 2; Congenital myasthenic syndrome 17. Last evaluated: 2024-06-18. Review status: criteria provided, single submitter. Criteria: ACMG Guidelines, 2015. Collection method: clinical testing. Allele origin: germline.

Labcorp Genetics (formerly Invitae), Labcorp
Classification: Uncertain significance for Cenani-Lenz syndactyly syndrome; Sclerosteosis 2; Congenital myasthenic syndrome 17. Last evaluated: 2024-01-15. Review status: criteria provided, single submitter. Criteria: Invitae Variant Classification Sherloc (09022015). Collection method: clinical testing. Allele origin: germline.
Comment: This sequence change replaces proline, which is neutral and non-polar, with serine, which is neutral and polar, at codon 1090 of the LRP4 protein (p.Pro1090Ser). This variant is present in population databases (no rsID available, gnomAD 0.006%). This variant has not been reported in the literature in individuals affected with LRP4-related conditions. ClinVar contains an entry for this variant (Variation ID: 2075126). Advanced modeling of protein sequence and biophysical properties (such as structural, functional, and spatial information, amino acid conservation, physicochemical variation, residue mobility, and thermodynamic stability) performed at Invitae indicates that this missense variant is not expected to disrupt LRP4 protein function with a negative predictive value of 80%. In summary, the available evidence is currently insufficient to determine the role of this variant in disease. Therefore, it has been classified as a Variant of Uncertain Significance.

NM_002334.4(LRP4):c.3268C>T (p.Pro1090Ser)

Gene: LRP4 (LDL receptor related protein 4; minus strand). Cytogenetic location: 11p11.2.
Variant type: single nucleotide variant.
Coding change: c.3268C>T on transcript NM_002334.4 (MANE Select); coding-DNA position 3268, C replaced by T.
Protein change: p.Pro1090Ser; replaces proline 1090 with serine.
Molecular consequence: missense variant.
Genome position (GRCh38, 1-based): chr11:46,877,208, G>A on the plus strand (C>T on the coding strand, the complement: LRP4 is on the minus strand). VCF-style: chr11-46877208-G-A. GRCh37 (hg19) VCF-style: chr11-46898759-G-A.
Other names: short protein forms P1090S.
Identifiers: ClinVar variation 2075126 (VCV002075126.5), dbSNP rs920291599, ClinGen allele CA221629172.